The following is an entry in ClinVar:

ClinVar aggregate classification (germline): Conflicting classifications of pathogenicity. Review status: criteria provided, conflicting classifications (1 of 4 stars). 6 submissions from 6 submitters: Uncertain significance (1); Likely benign (5). Last evaluated 2026-01-25.

Conditions:
SEPN1-related disorder. Also called: SEPN1-Related Disorders. Identifiers: MedGen CN239420.
Eichsfeld type congenital muscular dystrophy (CMYO3). Also called: MYOPATHY, SEPN1-RELATED; SELENON-related myopathy; Congenital myopathy 3 with rigid spine; Rigid spine muscular dystrophy 1. Identifiers: MedGen C0410180, MONDO:0100100, OMIM 602771.

Allele frequency attached by ClinVar (database versions not stated): 1000 Genomes Project 30x 0.00016; 1000 Genomes Project 0.00020; ExAC 0.00040; ESP Exome Variant Server 0.00048; gnomAD exomes 0.00055 and 0.00078; TOPMed 0.00059; gnomAD 0.00068 and 0.00070.
gnomAD v4.1: 1,233 of 1,614,196 alleles (0.076%); highest among the groups gnomAD compares: Non-Finnish European, 0.09%; 1 homozygote.

Submissions (6):

Labcorp Genetics (formerly Invitae), Labcorp
Classification: Likely benign for Eichsfeld type congenital muscular dystrophy. Last evaluated: 2026-01-25. Review status: criteria provided, single submitter. Criteria: Invitae Variant Classification Sherloc (09022015). Collection method: clinical testing. Allele origin: germline.

Mayo Clinic Laboratories, Mayo Clinic
Classification: Likely benign. Last evaluated: 2025-06-17. Review status: criteria provided, single submitter. Criteria: ACMG Guidelines, 2015. Collection method: clinical testing. Allele origin: germline. Observed: 1 variant allele.
Comment: BP4, BP7

Blueprint Genetics
Classification: Likely benign. Last evaluated: 2024-11-13. Review status: criteria provided, single submitter. Criteria: ACMG Guidelines, 2015. Collection method: clinical testing. Allele origin: germline.

Women's Health and Genetics/Laboratory Corporation of America, LabCorp
Classification: Likely benign. Last evaluated: 2022-02-03. Review status: criteria provided, single submitter. Criteria: LabCorp Variant Classification Summary - May 2015. Collection method: clinical testing. Allele origin: germline.
Comment: Variant summary: SELENON c.1623C>T alters a non-conserved nucleotide resulting in a synonymous change. 4/4 computational tools predict no significant impact on normal splicing. However, these predictions have yet to be confirmed by functional studies. The variant allele was found at a frequency of 0.00055 in 249532 control chromosomes. This frequency is not significantly higher than expected for a pathogenic variant in SELENON causing Eichsfeld Type Congenital Muscular Dystrophy (0.00055 vs 0.0011), allowing no conclusion about variant significance. To our knowledge, no occurrence of c.1623C>T in individuals affected with Eichsfeld Type Congenital Muscular Dystrophy and no experimental evidence demonstrating its impact on protein function have been reported. Three clinical diagnostic laboratories have submitted clinical-significance assessments for this variant to ClinVar after 2014 without evidence for independent evaluation. Two submitters classified the variant as likely benign while one classified as VUS. Based on the evidence outlined above, the variant was classified as likely benign.

Illumina Laboratory Services, Illumina
Classification: Uncertain significance for SEPN1-Related Disorders. Last evaluated: 2018-01-13. Review status: criteria provided, single submitter. Criteria: ICSL Variant Classification Criteria 13 December 2019. Collection method: clinical testing. Allele origin: germline.

GeneDx
Classification: Likely benign. Last evaluated: 2017-09-01. Review status: criteria provided, single submitter. Criteria: GeneDx Variant Classification (06012015). Collection method: clinical testing. Allele origin: germline. Affected: yes.
Comment: This variant is considered likely benign or benign based on one or more of the following criteria: it is a conservative change, it occurs at a poorly conserved position in the protein, it is predicted to be benign by multiple in silico algorithms, and/or has population frequency not consistent with disease.

NM_206926.2(SELENON):c.1521C>T (p.Asn507=)

Gene: SELENON (selenoprotein N; plus strand). Cytogenetic location: 1p36.11.
Variant type: single nucleotide variant.
Coding change: c.1521C>T on transcript NM_206926.2 (MANE Select); coding-DNA position 1521, C replaced by T.
Protein change: p.Asn507=; no amino-acid change (asparagine 507 retained).
Molecular consequence: synonymous variant.
Genome position (GRCh38, 1-based): chr1:25,815,568, C>T. VCF-style: chr1-25815568-C-T. GRCh37 (hg19) VCF-style: chr1-26142059-C-T.
Other names: p.Asn541=; c.1623C>T, p.Asn541= (NM_020451.3).
Identifiers: ClinVar variation 297030 (VCV000297030.18), dbSNP rs199911454, ClinGen allele CA696960.